The following is an entry in ClinVar:

NM_001278116.2(L1CAM):c.2547+2T>G

Gene: L1CAM (L1 cell adhesion molecule; minus strand). Cytogenetic location: Xq28.
Variant type: single nucleotide variant.
Coding change: c.2547+2T>G on transcript NM_001278116.2 (MANE Select); the canonical splice donor site of the intron after coding-DNA position 2547, T replaced by G.
Molecular consequence: splice donor variant.
Genome position (GRCh38, 1-based): chrX:153,865,702, A>C on the plus strand (T>G on the coding strand, the complement: L1CAM is on the minus strand). VCF-style: chrX-153865702-A-C. GRCh37 (hg19) VCF-style: chrX-153131157-A-C.
Other names: c.2532+2T>G (NM_001143963.2); c.2547+2T>G (NM_024003.3, NM_000425.5).
Identifiers: ClinVar variation 2032525 (VCV002032525.5), dbSNP rs2520977730, ClinGen allele CA415116900.

ClinVar aggregate classification (germline): Likely pathogenic (1 of 4 stars; one submission).

Conditions:
Spastic paraplegia. Identifiers: MedGen C0037772, HP:0001258.

Submissions (2):

Labcorp Genetics (formerly Invitae), Labcorp
Classification: Likely pathogenic for Spastic paraplegia. Last evaluated: 2022-09-25. Review status: criteria provided, single submitter. Criteria: Invitae Variant Classification Sherloc (09022015). Collection method: clinical testing. Allele origin: germline.
Comment: This variant is not present in population databases (gnomAD no frequency). This sequence change affects a donor splice site in intron 19 of the L1CAM gene. It is expected to disrupt RNA splicing. Variants that disrupt the donor or acceptor splice site typically lead to a loss of protein function (PMID: 16199547), and loss-of-function variants in L1CAM are known to be pathogenic (PMID: 19846429). This variant has not been reported in the literature in individuals affected with L1CAM-related conditions. Algorithms developed to predict the effect of sequence changes on RNA splicing suggest that this variant may disrupt the consensus splice site. In summary, the currently available evidence indicates that the variant is pathogenic, but additional data are needed to prove that conclusively. Therefore, this variant has been classified as Likely Pathogenic.

Dr. Peter K. Rogan Lab, Western University
No classification provided (evidence only). Condition: Thyroid cancer, nonmedullary, 1. Review status: no classification provided. Collection method: in vitro. Allele origin: not applicable. Functional consequence: retained intron. Not counted in ClinVar's aggregate classification.

Literature cited by the submitters: PubMed 16199547 (cited by Labcorp Genetics (formerly Invitae), Labcorp); PubMed 19846429 (cited by Labcorp Genetics (formerly Invitae), Labcorp).